The following is an entry in ClinVar:

ClinVar aggregate classification (germline): Uncertain significance (1 of 4 stars; one submission).

Allele frequency attached by ClinVar (database versions not stated): gnomAD exomes below 0.00001; gnomAD 0.00001.
gnomAD v4.1: 26 of 1,607,518 alleles (0.0016%); highest among the groups gnomAD compares: Non-Finnish European, 0.002%; no homozygotes.

Submission:

Labcorp Genetics (formerly Invitae), Labcorp
Classification: Uncertain significance. Last evaluated: 2023-12-07. Review status: criteria provided, single submitter. Criteria: Invitae Variant Classification Sherloc (09022015). Collection method: clinical testing. Allele origin: germline.
Comment: This sequence change replaces proline, which is neutral and non-polar, with leucine, which is neutral and non-polar, at codon 589 of the XYLT2 protein (p.Pro589Leu). The frequency data for this variant in the population databases is considered unreliable, as metrics indicate poor data quality at this position in the gnomAD database. This variant has not been reported in the literature in individuals affected with XYLT2-related conditions. ClinVar contains an entry for this variant (Variation ID: 1394271). Advanced modeling of protein sequence and biophysical properties (such as structural, functional, and spatial information, amino acid conservation, physicochemical variation, residue mobility, and thermodynamic stability) performed at Invitae indicates that this missense variant is not expected to disrupt XYLT2 protein function with a negative predictive value of 80%. In summary, the available evidence is currently insufficient to determine the role of this variant in disease. Therefore, it has been classified as a Variant of Uncertain Significance.

NM_022167.4(XYLT2):c.1766C>T (p.Pro589Leu)

Gene: XYLT2 (xylosyltransferase 2; plus strand). Cytogenetic location: 17q21.33.
Variant type: single nucleotide variant.
Coding change: c.1766C>T on transcript NM_022167.4 (MANE Select); coding-DNA position 1766, C replaced by T.
Protein change: p.Pro589Leu; replaces proline 589 with leucine.
Molecular consequence: missense variant.
Genome position (GRCh38, 1-based): chr17:50,357,077, C>T. VCF-style: chr17-50357077-C-T. GRCh37 (hg19) VCF-style: chr17-48434438-C-T.
Other names: short protein forms P589L.
Identifiers: ClinVar variation 1394271 (VCV001394271.6), dbSNP rs1162733060, ClinGen allele CA400210432.